The following is an entry in ClinVar:

ClinVar aggregate classification (germline): Uncertain significance. Review status: criteria provided, multiple submitters, no conflicts (2 of 4 stars). 2 submissions from 2 submitters: Uncertain significance (2). Last evaluated 2025-07-15.

Conditions:
Inborn genetic diseases. Identifiers: MedGen C0950123, MeSH D030342.

Allele frequency attached by ClinVar (database versions not stated): gnomAD 0.00001; gnomAD exomes 0.00001 and 0.00002; ExAC 0.00004; 1000 Genomes Project 0.00020; 1000 Genomes Project 30x 0.00031.
gnomAD v4.1: 13 of 1,612,566 alleles (0.00081%); highest among the groups gnomAD compares: South Asian, 0.014%; no homozygotes.

Submissions (2):

Ambry Genetics
Classification: Uncertain significance for Inborn genetic diseases. Last evaluated: 2025-07-15. Review status: criteria provided, single submitter. Criteria: Ambry Variant Classification Scheme 2023. Collection method: clinical testing. Allele origin: germline.

Labcorp Genetics (formerly Invitae), Labcorp
Classification: Uncertain significance. Last evaluated: 2022-07-19. Review status: criteria provided, single submitter. Criteria: Invitae Variant Classification Sherloc (09022015). Collection method: clinical testing. Allele origin: germline.
Comment: In summary, the available evidence is currently insufficient to determine the role of this variant in disease. Therefore, it has been classified as a Variant of Uncertain Significance. Algorithms developed to predict the effect of missense changes on protein structure and function output the following: SIFT: "Tolerated"; PolyPhen-2: "Benign"; Align-GVGD: "Class C0". The lysine amino acid residue is found in multiple mammalian species, which suggests that this missense change does not adversely affect protein function. ClinVar contains an entry for this variant (Variation ID: 1474561). This variant has not been reported in the literature in individuals affected with ASPM-related conditions. This variant is present in population databases (rs565102826, gnomAD 0.02%). This sequence change replaces arginine, which is basic and polar, with lysine, which is basic and polar, at codon 2271 of the ASPM protein (p.Arg2271Lys).

NM_018136.5(ASPM):c.6812G>A (p.Arg2271Lys)

Gene: ASPM (assembly factor for spindle microtubules; minus strand). Cytogenetic location: 1q31.3.
Variant type: single nucleotide variant.
Coding change: c.6812G>A on transcript NM_018136.5 (MANE Select); coding-DNA position 6812, G replaced by A.
Protein change: p.Arg2271Lys; replaces arginine 2271 with lysine.
Molecular consequence: missense variant. On other transcripts: intron variant (1).
Genome position (GRCh38, 1-based): chr1:197,102,439, C>T on the plus strand (G>A on the coding strand, the complement: ASPM is on the minus strand). VCF-style: chr1-197102439-C-T. GRCh37 (hg19) VCF-style: chr1-197071569-C-T.
Other names: c.4066-6275G>A (NM_001206846.2); c.6812G>A (NM_018136.4); short protein forms R2271K.
Identifiers: ClinVar variation 1474561 (VCV001474561.9), dbSNP rs565102826, ClinGen allele CA1309515.